The following is an entry in ClinVar:

ClinVar aggregate classification (germline): Likely benign. Review status: criteria provided, single submitter (1 of 4 stars). 2 submissions from 2 submitters: Likely benign (1). 1 of the submissions does not count toward it. Last evaluated 2019-12-31.

Conditions:
RAB18-related disorder. Also called: RAB18-related condition.

Allele frequency attached by ClinVar (database versions not stated): gnomAD exomes below 0.00001 and 0.00002; TOPMed below 0.00001; gnomAD 0.00001.
gnomAD v4.1: 25 of 1,613,960 alleles (0.0015%); highest among the groups gnomAD compares: Non-Finnish European, 0.002%; no homozygotes.

Submissions (2):

Labcorp Genetics (formerly Invitae), Labcorp
Classification: Likely benign. Last evaluated: 2019-12-31. Review status: criteria provided, single submitter. Criteria: Invitae Variant Classification Sherloc (09022015). Collection method: clinical testing. Allele origin: germline.

PreventionGenetics, part of Exact Sciences
Classification: Uncertain significance for RAB18-related condition. Last evaluated: 2024-02-15. Review status: no assertion criteria provided. Collection method: clinical testing. Allele origin: germline. Not counted in ClinVar's aggregate classification.
Comment: The RAB18 c.434A>G variant is predicted to result in the amino acid substitution p.Lys145Arg. However, in the other more commonly reported transcript (NM_001256410.1) this variant is synonymous (c.588A>G, p.=). To our knowledge, this variant has not been reported in the literature. This variant is reported in 0.00088% of alleles in individuals of European (Non-Finnish) descent in gnomAD. At this time, the clinical significance of this variant is uncertain due to the absence of conclusive functional and genetic evidence.

NM_021252.5(RAB18):c.501A>G (p.Glu167=)

Gene: RAB18 (RAB18, member RAS oncogene family; plus strand). Cytogenetic location: 10p12.1.
Variant type: single nucleotide variant.
Coding change: c.501A>G on transcript NM_021252.5 (MANE Select); coding-DNA position 501, A replaced by G.
Protein change: p.Glu167=; no amino-acid change (glutamic acid 167 retained).
Molecular consequence: synonymous variant. On other transcripts: missense variant (1), non-coding transcript variant (1).
Genome position (GRCh38, 1-based): chr10:27,537,931, A>G. VCF-style: chr10-27537931-A-G. GRCh37 (hg19) VCF-style: chr10-27826860-A-G.
Other names: c.588A>G, p.Glu196= (NM_001256410.2); c.434A>G, p.Lys145Arg (NM_001256411.2); c.309A>G, p.Glu103= (NM_001256412.2); c.434A>G (NM_001256411.1); short protein forms K145R.
Identifiers: ClinVar variation 713649 (VCV000713649.6), dbSNP rs1346169896, ClinGen allele CA468752200.